The following continues an entry in ClinVar:

NM_000038.6(APC):c.3920T>A (p.Ile1307Lys)

Gene: APC. ClinVar aggregate classification (germline): Conflicting classifications of pathogenicity; association; risk factor. Pathogenic (6); Likely pathogenic (9); Pathogenic, low penetrance (1); Established risk allele (6); Uncertain significance (12).

Submissions 6 to 13 of 60:

Women's Health and Genetics/Laboratory Corporation of America, LabCorp
Classification: Uncertain significance. Last evaluated: 2025-08-19. Review status: criteria provided, single submitter. Criteria: LabCorp Variant Classification Summary - May 2015. Collection method: clinical testing. Allele origin: germline.
Comment: Variant summary: APC c.3920T>A (p.Ile1307Lys) results in a non-conservative amino acid change in the encoded protein sequence. Algorithms developed to predict the effect of missense changes on protein structure and function are either unavailable or do not agree on the potential impact of this missense change. The variant allele was found at a frequency of 0.0024 in 254250 control chromosomes in the gnomAD database, including 7 homozygotes. The observed variant frequency within the Ashkenazi Jewish subpopulation is nearly 33-fold the estimated maximal expected allele frequency for a pathogenic variant in APC causing the Colorectal Cancer Risk phenotype (0.0011), suggesting that the variant is a benign polymorphism found primarily in populations of Ashkenazi-Jewish origin. However, multiple case-control studies have reported this variant with increased risk for colorectal cancer within the Ashkenazi Jewish population (e.g. Laken_1997, Gryfe_1999, Drucker_2000, Shtoyerman-Chen_2001, Fidder_2005, Boursi_2013). c.3920T>A has also been reported in the literature in individuals affected with non-colorectal cancer phenotypes (e.g. Maxwell_2016, Feliubadalo_2017, Schubert_2019, Fanale_2020, Akcay_2020), however these reports do not provide unequivocal conclusions about association of the variant with Colorectal Cancer Risk. A large meta-analysis concluded that the variant increases the risk of colorectal cancer by approximately 2-fold in individuals of Ashkenazi Jewish ancestry (OR=2.17, 95% CI=1.65-2.86), however the variant was not associated with additional risk in Non-Ashkenazi Jewish individuals in this study (Liang_2013). Another large case-control study identified the variant as a risk factor for non-colorectal cancers in an Israeli population (Leshno_2016). Co-occurrences with other pathogenic variants have been reported [BRCA1 c.68_69del, p.E23VfsX17 (Yurgelun_2017); RAD51C c.630T>G, p.Tyr210X (internal sample); MSH6 c.3743_3744insT, p.Tyr1249LeufsTer26 (Zhang_2020)], providing some supporting evidence for a benign role, however most case-control studies in the Ashkenazi-Jewish population support classification of the variant as a risk-factor for colorectal cancer. While there is insufficient evidence to determine risk in individuals without Ashkenazi-Jewish heritage, in-vivo and in-vitro studies have indicated that this germline variant may result in a much more highly mutable allele by creating an (A)8 mononucloetide tract that has a higher propensity for somatic frameshift mutations (e.g. Laken_1997, Gryfe_1998). Current NCCN guidelines recommend colorectal cancer surveillance measures for carriers of this variant due to association with a higher colorectal cancer risk. The following publications have been ascertained in the context of this evaluation (PMID: 32658311, 30980208, 18343606, 23896379, 28749474, 11207040, 30152102, 10679643, 32854451, 28050010, 15929773, 9973276, 9751605, 26187149, 9288102, 26421687, 23576677, 27153395, 25604157, 27978560, 30814645, 30426508, 26394139, 26845104, 11551102, 26300997, 14633595, 29961768, 28135145, 24416237, 31444830). ClinVar contains an entry for this variant (Variation ID: 822). Based on the evidence outlined above, the variant was classified as VUS-possibly pathogenic.

Color Diagnostics, LLC DBA Color Health
Classification: Established risk allele for Hereditary cancer-predisposing syndrome. Last evaluated: 2025-04-07. Review status: criteria provided, single submitter. Criteria: ClinGen Low Penetrance/Risk Allele, 2024. Collection method: clinical testing. Allele origin: germline.
Comment: This missense variant replaces isoleucine with lysine at codon 1307 of the APC protein. This variant is common in the population and has been identified in 524/282418 chromosomes (0.19%) in the general population by the Genome Aggregation Database (gnomAD). In particular, this variant has been identified in 375/10358 Ashkenazi Jewish chromosomes (3.62%), including 7 homozygous individuals, by the Genome Aggregation Database (gnomAD). Several large case-control studies and meta-analyses have reported a slightly increased risk of colorectal cancer in Ashkenazi Jewish individuals who carried this p.Ile1307Lys variant: OR=1.51 [95% CI 1.16-1.98] (PMID: 23896379)OR=2.17 [95% CI 1.64-2.86] (PMID: 23576677)OR=2.53 [95% CI 2.11-3.04] (PMID: 26421687). However, the cancer risk remains unclear in individuals of non-Ashkenazi Jewish descent. One study has shown that this variant did not show significant association with colorectal cancer in non-Ashkenazi Jewish individuals (OR=1.36, 95% CI=0.59-3.13) (PMID: 23576677).

Variantyx, Inc.
Classification: Pathogenic for Familial adenomatous polyposis 1. Last evaluated: 2025-03-24. Review status: criteria provided, single submitter. Criteria: Variantyx Assertion Criteria 2022. Collection method: clinical testing. Allele origin: maternal.
Comment: This is a nonsynonymous variant in the APC gene (OMIM: 611731). Pathogenic variants in this gene have been associated with autosomal dominant familial adenomatous polyposis 1. This variant has been reported in the heterozygous state in more than 100 individuals with colorectal cancer (PMID: 9288102, 23896379, 26314409, 9724771, 17854661, 9973276, 11001924, 9831355) (PS4). This variant converts the sequence AAAATAAA to a polyA(8) tract that is subject to slippage during DNA replication, which increases the susceptibility for somatic mutations (PMID: 9288102) (PS3). This variant is common in individuals of Ashkenazi Jewish descent and is present in about 10% of this population (PMID: 23896379, 9724771, 23576677). This variant increases the risk of colorectal cancer in the Ashkenazi Jewish population by approximately 2-fold (PMID: 9288102, 23896379, 9869602, 9973276, 23576677); however, cancer risk remains unknown for individuals of non-Jewish descent. A recent study suggested that the overall cancer risk (non-colorectal) for p.Ile1307Lys carriers is 2.53, with males having significantly increased prevalence of lung, urologic, pancreatic, and skin cancers; carrier prevalence among females was significantly higher only for breast and skin cancers (PMID: 26421687).Medical management guidelines for carriers of this variant are available through the National Comprehensive Cancer Network (NCCN). This variant is present in ClinVar (Variation ID: 822). Based on this evidence, p.Ile1307Lys is interpreted as an established risk variant for colorectal cancer in the Ashkenazi Jewish population.

Hema, HEMA – Genetic and Molecular Diagnostic Laboratory
Classification: Pathogenic, low penetrance for Classic or attenuated familial adenomatous polyposis. Last evaluated: 2025-01-22. Review status: criteria provided, single submitter. Criteria: HEMA Variant Classification Assertion Criteria. Collection method: clinical testing. Allele origin: germline.
Comment: It is a low-penetrance pathogenic variant in the APC gene (PMID: 37076288). The prevalence of the variant is significantly higher in cases of colorectal cancer than in controls, in individuals of Ashkenazi Jewish descent. The variant affects a conserved residue located in a critical domain of the APC protein: the β-catenin binding domain. Despite the neutral effect predicted by in silico tools, the nucleotide change c.3920T>A affects a sequence element (A)3(T)(A)4, converting it into an extended tract of eight adenine nucleotides (A8). In vivo and in vitro studies have demonstrated that this substitution causes the polymerase to slip during DNA replication, conferring a greater propensity for somatic truncating mutations in this allele. The known cancer risks are currently limited to individuals of Ashkenazi Jewish descent. In individuals of Ashkenazi Jewish descent, the variant increases the risk of colorectal cancer. The variant does not increase the risk of polyposis, despite being an APC variant. To date, there are no reliable data suggesting that the risks of other types of cancer and in other populations (non-Ashkenazi Jews and non-Jewish individuals) are higher than in the general population.

Clinical Genomics Laboratory, Washington University in St. Louis
Classification: Established risk allele for Colorectal cancer. Last evaluated: 2024-10-10. Review status: criteria provided, single submitter. Criteria: Schmidt et al. (Genet Med. 2024). Collection method: clinical testing. Allele origin: germline.
Comment: The APC c.3920T>A (p.Ile1307Lys) variant is found in up to 10% of Ashkenazi Jewish individuals (Boursi B et al., PMID: 23896379) and in 28% of Ashkenazi Jewish individuals with a family history of colorectal cancer (Laken SJ et al., PMID: 9288102). In a large meta-analysis, Ashkenazi Jewish individuals with the c.3920T>A variant had a significantly increased risk of colorectal cancer (OR=2.17, 95% CI= 1.65-2.86) but did not confer risk in non-Ashkenazi Jewish individuals (OR=1.36, 95% CI=0.59-3.13) (Liang J et al., PMID: 23576677). The highest population minor allele frequency in the population database genome aggregation database (v.2.1.1) is 3.6% in the Ashkenazi Jewish population. This variant has been reported in the ClinVar database as a risk variant for colorectal cancer. Based on the ClinGen Low Penetrance/Risk Allele Working Group recommendations (Schmidt RJ et al., PMID: 38054408), this variant is classified as an established risk allele.

Dubai Health Genomic Medicine Center, Dubai Health
Classification: Likely pathogenic for Colorectal cancer. Last evaluated: 2024-10-04. Review status: criteria provided, single submitter. Criteria: ACMG Guidelines, 2015. Collection method: research. Allele origin: germline. Affected: yes.
Comment: PS3,BS1,PS4

Baylor Genetics
Classification: Likely pathogenic for Familial adenomatous polyposis 1. Last evaluated: 2024-02-28. Review status: criteria provided, single submitter. Criteria: ACMG Guidelines, 2015. Collection method: clinical testing. Allele origin: unknown.

Illumina Laboratory Services, Illumina
Classification: Pathogenic for Colorectal cancer. Last evaluated: 2024-01-26. Review status: criteria provided, single submitter. Criteria: ICSLVariantClassificationCriteria RUGD 01 April 2020. Collection method: clinical testing. Allele origin: unknown.
Comment: The APC c.3920T>A (p.Ile1307Lys) variant is a well-established risk allele for colorectal cancer. Across multiple studies, the odds ratio for colorectal cancer has been calculated at 1.75 to 2.17 among Ashkenazi Jewish carriers of this variant and at 1.36 to 2.47 among non-Ashkenazi Jewish carriers (PMID: 23896379; 23576677; 26314409). The c.3920T>A variant is reported at a frequency of 0.03620 in the Ashkenazi Jewish population of the Genome Aggregation Database (v2.1.1), which is consistent with estimates of disease prevalence and the reduced penetrance of this variant. Specific screening and prevention recommendations are available from the National Comprehensive Cancer Network (NCCN) for individuals with the c.3920T>A (p.Ile1307Lys) APC variant. Based on the evidence, the c.3920T>A (p.Ile1307Lys) variant is a risk allele for colorectal cancer.